The following is an entry in ClinVar:

NM_000297.4(PKD2):c.2523-7C>T

Gene: PKD2 (polycystin 2, transient receptor potential cation channel; plus strand). Cytogenetic location: 4q22.1.
Variant type: single nucleotide variant.
Coding change: c.2523-7C>T on transcript NM_000297.4 (MANE Select); 7 bases into the intron before coding-DNA position 2523, C replaced by T.
Molecular consequence: intron variant.
Genome position (GRCh38, 1-based): chr4:88,074,805, C>T. VCF-style: chr4-88074805-C-T. GRCh37 (hg19) VCF-style: chr4-88995957-C-T.
Identifiers: ClinVar variation 543948 (VCV000543948.24), dbSNP rs199528409, ClinGen allele CA3004281.

ClinVar aggregate classification (germline): Benign/Likely benign. Review status: criteria provided, multiple submitters, no conflicts (2 of 4 stars). 6 submissions from 6 submitters: Benign (2); Likely benign (4). Last evaluated 2026-08-01.

Conditions:
Autosomal dominant polycystic kidney disease. Identifiers: Orphanet 730, MedGen C0085413, MONDO:0004691.
Polycystic kidney disease 2 (PKD2). Also called: POLYCYSTIC KIDNEY DISEASE, ADULT, TYPE II; POLYCYSTIC KIDNEY DISEASE 2 WITH OR WITHOUT POLYCYSTIC LIVER DISEASE; Polycystic Kidney Disease 2, Autosomal Dominant. Identifiers: MedGen C2751306, MONDO:0013131, OMIM 613095.

Allele frequency attached by ClinVar (database versions not stated): gnomAD 0.00011; 1000 Genomes Project 30x 0.00016; 1000 Genomes Project 0.00020; gnomAD exomes 0.00037 and 0.00084; TOPMed 0.00038; ExAC 0.00062.
gnomAD v4.1: 242 of 1,613,874 alleles (0.015%); highest among the groups gnomAD compares: Admixed American, 0.39%; no homozygotes.

Submissions (6):

CeGaT Center for Human Genetics Tuebingen
Classification: Likely benign. Last evaluated: 2026-08-01. Review status: criteria provided, single submitter. Criteria: CeGaT Center For Human Genetics Tuebingen Variant Classification Criteria Version 2. Collection method: clinical testing. Allele origin: germline. Affected: yes. Observed: 1 variant allele.
Comment: PKD2: BP4, BS1

Labcorp Genetics (formerly Invitae), Labcorp
Classification: Benign for Autosomal dominant polycystic kidney disease. Last evaluated: 2026-01-20. Review status: criteria provided, single submitter. Criteria: Invitae Variant Classification Sherloc (09022015). Collection method: clinical testing. Allele origin: germline.

Fulgent Genetics
Classification: Likely benign for Polycystic kidney disease 2. Last evaluated: 2021-09-03. Review status: criteria provided, single submitter. Criteria: ACMG Guidelines, 2015. Collection method: clinical testing. Allele origin: unknown.

Blueprint Genetics
Classification: Likely benign. Last evaluated: 2021-05-31. Review status: criteria provided, single submitter. Criteria: ACMG Guidelines, 2015. Collection method: clinical testing. Allele origin: germline.

GeneDx
Classification: Likely benign. Last evaluated: 2021-03-01. Review status: criteria provided, single submitter. Criteria: GeneDx Variant Classification Process June 2021. Collection method: clinical testing. Allele origin: germline. Affected: yes.

ARUP Laboratories, Molecular Genetics and Genomics, ARUP Laboratories
Classification: Benign for Polycystic kidney disease 2. Last evaluated: 2019-12-18. Review status: criteria provided, single submitter. Criteria: ARUP Molecular Germline Variant Investigation Process. Collection method: clinical testing. Allele origin: germline.